The following is an entry in ClinVar:

ClinVar aggregate classification (germline): Likely benign. Review status: criteria provided, multiple submitters, no conflicts (2 of 4 stars). 3 submissions from 3 submitters: Likely benign (2). 1 of the submissions does not count toward it. Last evaluated 2024-03-01.

Conditions:
Galactosylceramide beta-galactosidase deficiency. Also called: Leukodystrophy, Globoid Cell; Krabbe Disease; GALACTOCEREBROSIDASE DEFICIENCY; GALC DEFICIENCY; GLOBOID CELL LEUKOENCEPHALOPATHY. Identifiers: Orphanet 487, MedGen C0023521, MONDO:0009499, OMIM 245200.
GALC-related disorder. Also called: GALC-related condition.

Allele frequency attached by ClinVar (database versions not stated): gnomAD exomes below 0.00001; gnomAD 0.00001 and 0.00003; TOPMed 0.00003.
gnomAD v4.1: 45 of 1,612,712 alleles (0.0028%); highest among the groups gnomAD compares: Non-Finnish European, 0.0037%; no homozygotes.

Submissions (3):

CeGaT Center for Human Genetics Tuebingen
Classification: Likely benign. Last evaluated: 2024-03-01. Review status: criteria provided, single submitter. Criteria: CeGaT Center For Human Genetics Tuebingen Variant Classification Criteria Version 2. Collection method: clinical testing. Allele origin: germline. Affected: yes. Observed: 1 variant allele.
Comment: GALC: BP4, BP7

Labcorp Genetics (formerly Invitae), Labcorp
Classification: Likely benign for Galactosylceramide beta-galactosidase deficiency. Last evaluated: 2024-01-19. Review status: criteria provided, single submitter. Criteria: Invitae Variant Classification Sherloc (09022015). Collection method: clinical testing. Allele origin: germline.

PreventionGenetics, part of Exact Sciences
Classification: Likely benign for GALC-related condition. Last evaluated: 2022-12-06. Review status: no assertion criteria provided. Collection method: clinical testing. Allele origin: germline. Not counted in ClinVar's aggregate classification.
Comment: This variant is classified as likely benign based on ACMG/AMP sequence variant interpretation guidelines (Richards et al. 2015 PMID: 25741868, with internal and published modifications).

NM_000153.4(GALC):c.1947T>C (p.Ser649=)

Gene: GALC (galactosylceramidase; minus strand). Cytogenetic location: 14q31.3.
Variant type: single nucleotide variant.
Coding change: c.1947T>C on transcript NM_000153.4 (MANE Select); coding-DNA position 1947, T replaced by C.
Protein change: p.Ser649=; no amino-acid change (serine 649 retained).
Molecular consequence: synonymous variant.
Genome position (GRCh38, 1-based): chr14:87,934,843, A>G on the plus strand (T>C on the coding strand, the complement: GALC is on the minus strand). VCF-style: chr14-87934843-A-G. GRCh37 (hg19) VCF-style: chr14-88401187-A-G.
Other names: c.1878T>C, p.Ser626= (NM_001201401.2); c.1869T>C, p.Ser623= (NM_001201402.2); c.1947T>C (NM_000153.3).
Identifiers: ClinVar variation 1127303 (VCV001127303.31), dbSNP rs924881775, ClinGen allele CA264674611.